The following is an entry in ClinVar:

ClinVar aggregate classification (germline): Uncertain significance (1 of 4 stars; one submission).

Allele frequency attached by ClinVar (database versions not stated): gnomAD 0.00011 and 0.00010; gnomAD exomes 0.00013 and 0.00009; TOPMed below 0.00001; ExAC 0.00008.
gnomAD v4.1: 67 of 1,612,930 alleles (0.0042%); highest among the groups gnomAD compares: Non-Finnish European, 0.00017%; no homozygotes.

Submission:

Labcorp Genetics (formerly Invitae), Labcorp
Classification: Uncertain significance. Last evaluated: 2025-06-29. Review status: criteria provided, single submitter. Criteria: Invitae Variant Classification Sherloc (09022015). Collection method: clinical testing. Allele origin: germline.
Comment: This sequence change replaces arginine, which is basic and polar, with lysine, which is basic and polar, at codon 154 of the DUOX2 protein (p.Arg154Lys). This variant is present in population databases (rs775297032, gnomAD 0.1%). This variant has not been reported in the literature in individuals affected with DUOX2-related conditions. ClinVar contains an entry for this variant (Variation ID: 1447724). Invitae Evidence Modeling of protein sequence and biophysical properties (such as structural, functional, and spatial information, amino acid conservation, physicochemical variation, residue mobility, and thermodynamic stability) indicates that this missense variant is expected to disrupt DUOX2 protein function with a positive predictive value of 80%. In summary, the available evidence is currently insufficient to determine the role of this variant in disease. Therefore, it has been classified as a Variant of Uncertain Significance.

NM_001363711.2(DUOX2):c.461G>A (p.Arg154Lys)

Gene: DUOX2 (dual oxidase 2; minus strand). Cytogenetic location: 15q21.1.
Variant type: single nucleotide variant.
Coding change: c.461G>A on transcript NM_001363711.2 (MANE Select); coding-DNA position 461, G replaced by A.
Protein change: p.Arg154Lys; replaces arginine 154 with lysine.
Molecular consequence: missense variant.
Genome position (GRCh38, 1-based): chr15:45,111,820, C>T on the plus strand (G>A on the coding strand, the complement: DUOX2 is on the minus strand). VCF-style: chr15-45111820-C-T. GRCh37 (hg19) VCF-style: chr15-45404018-C-T.
Other names: c.461G>A, p.Arg154Lys (NM_014080.5); short protein forms R154K.
Identifiers: ClinVar variation 1447724 (VCV001447724.8), dbSNP rs775297032, ClinGen allele CA7538954.